The following is an entry in ClinVar:

NM_001352754.2(ARMC9):c.1557G>C (p.Gln519His)

Gene: ARMC9 (armadillo repeat containing 9; plus strand). Cytogenetic location: 2q37.1.
Variant type: single nucleotide variant.
Coding change: c.1557G>C on transcript NM_001352754.2 (MANE Select); coding-DNA position 1557, G replaced by C.
Protein change: p.Gln519His; replaces glutamine 519 with histidine.
Molecular consequence: missense variant. On other transcripts: non-coding transcript variant (1).
Genome position (GRCh38, 1-based): chr2:231,282,064, G>C. VCF-style: chr2-231282064-G-C. GRCh37 (hg19) VCF-style: chr2-232146777-G-C.
Other names: c.1557G>C, p.Gln519His (NM_001271466.4, NM_001291656.2, NM_001352755.2 and 3 more transcripts); c.1458G>C, p.Gln486His (NM_001352757.2, NM_001352758.2); c.1557G>C (NM_025139.3); short protein forms Q519H, Q486H.
Identifiers: ClinVar variation 1488173 (VCV001488173.9), dbSNP rs751632551, ClinGen allele CA2160392.

ClinVar aggregate classification (germline): Uncertain significance. Review status: criteria provided, multiple submitters, no conflicts (2 of 4 stars). 3 submissions from 3 submitters: Uncertain significance (3). Last evaluated 2025-12-10.

Conditions:
Inborn genetic diseases. Identifiers: MedGen C0950123, MeSH D030342.

Allele frequency attached by ClinVar (database versions not stated): gnomAD exomes below 0.00001; ExAC 0.00001; TOPMed 0.00002; gnomAD 0.00003 and 0.00004.
gnomAD v4.1: 6 of 1,613,952 alleles (0.00037%); highest among the groups gnomAD compares: African/African-American, 0.008%; no homozygotes.

Submissions (3):

Ambry Genetics
Classification: Uncertain significance for Inborn genetic diseases. Last evaluated: 2025-12-10. Review status: criteria provided, single submitter. Criteria: Ambry Variant Classification Scheme 2023. Collection method: clinical testing. Allele origin: germline.

Labcorp Genetics (formerly Invitae), Labcorp
Classification: Uncertain significance. Last evaluated: 2022-06-20. Review status: criteria provided, single submitter. Criteria: Invitae Variant Classification Sherloc (09022015). Collection method: clinical testing. Allele origin: germline.
Comment: This sequence change replaces glutamine, which is neutral and polar, with histidine, which is basic and polar, at codon 519 of the ARMC9 protein (p.Gln519His). This variant is present in population databases (rs751632551, gnomAD 0.01%). This variant has not been reported in the literature in individuals affected with ARMC9-related conditions. Experimental studies and prediction algorithms are not available or were not evaluated, and the functional significance of this variant is currently unknown. In summary, the available evidence is currently insufficient to determine the role of this variant in disease. Therefore, it has been classified as a Variant of Uncertain Significance.

GeneDx
Classification: Uncertain significance. Last evaluated: 2022-01-24. Review status: criteria provided, single submitter. Criteria: GeneDx Variant Classification Process June 2021. Collection method: clinical testing. Allele origin: germline. Affected: yes.
Comment: In silico analysis supports that this missense variant does not alter protein structure/function; Has not been previously published as pathogenic or benign to our knowledge